The following is an entry in ClinVar:

NM_004329.3(BMPR1A):c.336T>C (p.Asp112=)

Gene: BMPR1A (bone morphogenetic protein receptor type 1A; plus strand). Cytogenetic location: 10q23.2.
Variant type: single nucleotide variant.
Coding change: c.336T>C on transcript NM_004329.3 (MANE Select); coding-DNA position 336, T replaced by C.
Protein change: p.Asp112=; no amino-acid change (aspartic acid 112 retained).
Molecular consequence: synonymous variant. On other transcripts: non-coding transcript variant (3), intron variant (1).
Genome position (GRCh38, 1-based): chr10:86,899,796, T>C. VCF-style: chr10-86899796-T-C. GRCh37 (hg19) VCF-style: chr10-88659553-T-C.
Other names: c.336T>C, p.Asp112= (NM_001406559.1, NM_001406560.1, NM_001406561.1 and 22 more transcripts); c.252T>C, p.Asp84= (NM_001406584.1, NM_001406585.1, NM_001406586.1 and 2 more transcripts); c.333+7567T>C (NM_001406589.1).
Identifiers: ClinVar variation 3378672 (VCV003378672.3).
Genomic context (GRCh38, chr10:86,899,796, plus strand): 5'-AGACATATCAGTTTAAAATACCAAACCATTTCTAATTTTATCATTACTCTTCTTTTAGGA[T>C]TCTCCAAAAGCCCAGCTACGCCGGACAATAGAATGTTGTCGGACCAATTTATGTAACCAG-3'
Protein context (NP_004320.2, residues 102-122): KYEGSDFQCK[Asp112=]SPKAQLRRTI

ClinVar aggregate classification (germline): Benign/Likely benign. Review status: criteria provided, multiple submitters, no conflicts (2 of 4 stars). 3 submissions from 3 submitters: Benign (1); Likely benign (2). Last evaluated 2025-06-08.

Conditions:
Juvenile polyposis syndrome (JPS). Identifiers: Orphanet 2929, MedGen C0345893, MONDO:0017380, OMIM 174900.

Submissions (3):

Labcorp Genetics (formerly Invitae), Labcorp
Classification: Likely benign for Juvenile polyposis syndrome. Last evaluated: 2025-06-08. Review status: criteria provided, single submitter. Criteria: Invitae Variant Classification Sherloc (09022015). Collection method: clinical testing. Allele origin: germline.

Myriad Genetics, Inc.
Classification: Benign for Juvenile polyposis syndrome. Last evaluated: 2024-08-01. Review status: criteria provided, single submitter. Criteria: Myriad Autosomal Dominant, Autosomal Recessive and X-Linked Classification Criteria (2023). Collection method: clinical testing. Allele origin: unknown.
Comment: This variant is considered benign. This variant is a silent/synonymous amino acid change and it is not expected to impact splicing.

All of Us Research Program, National Institutes of Health
Classification: Likely benign for Juvenile polyposis syndrome. Last evaluated: 2024-06-17. Review status: criteria provided, single submitter. Criteria: ACMG Guidelines, 2015. Collection method: clinical testing. Allele origin: germline. Inheritance: Autosomal dominant inheritance. Observed: 1 variant allele, 1 heterozygote.
Comment: This study involves interpretation of variants in research participants for the purpose of population health screening. Participant phenotype was not available at the time of variant classification. Additional details can be found in publication PMID: 35346344, PMCID: PMC8962531